The following is an entry in ClinVar:

NM_053025.4(MYLK):c.4317T>C (p.Asp1439=)

Gene: MYLK (myosin light chain kinase; minus strand). Cytogenetic location: 3q21.1.
Variant type: single nucleotide variant.
Coding change: c.4317T>C on transcript NM_053025.4 (MANE Select); coding-DNA position 4317, T replaced by C.
Protein change: p.Asp1439=; no amino-acid change (aspartic acid 1439 retained).
Molecular consequence: synonymous variant.
Genome position (GRCh38, 1-based): chr3:123,649,166, A>G on the plus strand (T>C on the coding strand, the complement: MYLK is on the minus strand). VCF-style: chr3-123649166-A-G. GRCh37 (hg19) VCF-style: chr3-123368013-A-G.
Other names: p.Asp1439=; c.3789T>C, p.Asp1263= (NM_001321309.2); c.4110T>C, p.Asp1370= (NM_053026.4, NM_053028.4); c.4317T>C, p.Asp1439= (NM_053027.4).
Identifiers: ClinVar variation 226770 (VCV000226770.34), dbSNP rs1254392, ClinGen allele CA071380.

ClinVar aggregate classification (germline): Benign. Review status: criteria provided, multiple submitters, no conflicts (2 of 4 stars). 15 submissions from 15 submitters: Benign (12). 3 of the submissions do not count toward it. Last evaluated 2026-02-04.

Conditions:
Familial thoracic aortic aneurysm and aortic dissection (TAAD). Also called: Thoracic aortic aneurysms and dissections. Identifiers: Orphanet 91387, MedGen C4707243, MONDO:0019625.
Aortic aneurysm, familial thoracic 7 (AAT7). Also called: AORTIC DISSECTION, FAMILIAL, WITH OR WITHOUT AORTIC ANEURYSM. Identifiers: MedGen C3151077, MONDO:0013418, OMIM 613780.

Allele frequency attached by ClinVar (database versions not stated): gnomAD exomes 0.13371 and 0.23200; ESP Exome Variant Server 0.22459; ExAC 0.23037; gnomAD 0.24353 and 0.24996; TOPMed 0.27649; 1000 Genomes Project 0.39617; 1000 Genomes Project 30x 0.39725.
gnomAD v4.1: 235,254 of 1,612,966 alleles (15%); highest among the groups gnomAD compares: East Asian, 65%; 33,826 homozygotes.

Submissions (15):

Labcorp Genetics (formerly Invitae), Labcorp
Classification: Benign for Aortic aneurysm, familial thoracic 7. Last evaluated: 2026-02-04. Review status: criteria provided, single submitter. Criteria: Invitae Variant Classification Sherloc (09022015). Collection method: clinical testing. Allele origin: germline.

Molecular Diagnostic Laboratory for Inherited Cardiovascular Disease, Montreal Heart Institute
Classification: Benign. Last evaluated: 2025-04-09. Review status: criteria provided, single submitter. Criteria: ACMG Guidelines, 2015. Collection method: clinical testing. Allele origin: germline. Affected: no.

Blueprint Genetics
Classification: Benign. Last evaluated: 2024-11-26. Review status: criteria provided, single submitter. Criteria: ACMG Guidelines, 2015. Collection method: clinical testing. Allele origin: germline.

Women's Health and Genetics/Laboratory Corporation of America, LabCorp
Classification: Benign. Last evaluated: 2019-08-12. Review status: criteria provided, single submitter. Criteria: LabCorp Variant Classification Summary - May 2015. Collection method: clinical testing. Allele origin: germline.

Eurofins Ntd Llc (ga)
Classification: Benign. Last evaluated: 2018-06-05. Review status: criteria provided, single submitter. Criteria: EGL ClinVar v180209 classification definitions. Collection method: clinical testing. Allele origin: germline. Observed: 1 variant allele, 1 heterozygote.

Illumina Laboratory Services, Illumina
Classification: Benign for Aortic aneurysm, familial thoracic 7. Last evaluated: 2018-01-13. Review status: criteria provided, single submitter. Criteria: ICSL Variant Classification Criteria 13 December 2019. Collection method: clinical testing. Allele origin: germline.
Comment: This variant was observed in the ICSL laboratory as part of a predisposition screen in an ostensibly healthy population. It had not been previously curated by ICSL or reported in the Human Gene Mutation Database (HGMD: prior to June 1st, 2018), and was therefore a candidate for classification through an automated scoring system. Utilizing variant allele frequency, disease prevalence and penetrance estimates, and inheritance mode, an automated score was calculated to assess if this variant is too frequent to cause the disease. Based on the score and internal cut-off values, a variant classified as benign is not then subjected to further curation. The score for this variant resulted in a classification of benign for this disease.

GeneDx
Classification: Benign. Last evaluated: 2016-09-23. Review status: criteria provided, single submitter. Criteria: GeneDx Variant Classification (06012015). Collection method: clinical testing. Allele origin: germline. Affected: yes.
Comment: This variant is considered likely benign or benign based on one or more of the following criteria: it is a conservative change, it occurs at a poorly conserved position in the protein, it is predicted to be benign by multiple in silico algorithms, and/or has population frequency not consistent with disease.

Ambry Genetics
Classification: Benign for Familial thoracic aortic aneurysm and aortic dissection. Last evaluated: 2015-01-23. Review status: criteria provided, single submitter. Criteria: Ambry Variant Classification Scheme 2023. Collection method: clinical testing. Allele origin: germline.

Laboratory for Molecular Medicine, Mass General Brigham Personalized Medicine
Classification: Benign. Last evaluated: 2014-11-20. Review status: criteria provided, single submitter. Criteria: LMM Criteria. Collection method: clinical testing. Allele origin: germline. Observed: 17 variant alleles.
Comment: p.Asp1439Asp in exon 25 of MYLK: This variant is not expected to have clinical s ignificance because it does not alter an amino acid residue and is not located w ithin the splice consensus sequence. It has been identified in 9% (809/8600) of European American chromosomes and 48% (2112/4406) of African American chromosome s by the NHLBI Exome Sequencing Project (dbSN P rs1254392).

Mayo Clinic Laboratories, Mayo Clinic
Classification: Benign. Last evaluated: 2014-04-04. Review status: criteria provided, single submitter. Criteria: ACMG Guidelines, 2015. Collection method: clinical testing. Allele origin: germline. Observed: 379 variant alleles.

Breakthrough Genomics
Classification: Benign. Review status: criteria provided, single submitter. Criteria: ACMG Guidelines, 2015. Collection method: not provided. Allele origin: germline. Inheritance: Autosomal recessive inheritance. Affected: yes.

PreventionGenetics, part of Exact Sciences
Classification: Benign. Review status: criteria provided, single submitter. Criteria: ACMG Guidelines, 2015. Collection method: clinical testing. Allele origin: germline.

Clinical Genetics DNA and cytogenetics Diagnostics Lab, Erasmus MC, Erasmus Medical Center
Classification: Benign. Review status: no assertion criteria provided. Collection method: clinical testing. Allele origin: germline. Affected: yes. Study: VKGL Data-share Consensus. Not counted in ClinVar's aggregate classification.

Genome Diagnostics Laboratory, Amsterdam University Medical Center
Classification: Benign. Review status: no assertion criteria provided. Collection method: clinical testing. Allele origin: germline. Affected: yes. Study: VKGL Data-share Consensus. Not counted in ClinVar's aggregate classification.

Joint Genome Diagnostic Labs from Nijmegen and Maastricht, Radboudumc and MUMC+
Classification: Benign. Review status: no assertion criteria provided. Collection method: clinical testing. Allele origin: germline. Affected: yes. Study: VKGL Data-share Consensus. Not counted in ClinVar's aggregate classification.